The following is an entry in ClinVar:

NM_019844.4(SLCO1B3):c.1481G>A (p.Gly494Asp)

Genes: SLCO1B3 (solute carrier organic anion transporter family member 1B3; plus strand), SLCO1B3-SLCO1B7 (SLCO1B3-SLCO1B7 readthrough; plus strand). Cytogenetic location: 12p12.2.
Variant type: single nucleotide variant.
Coding change: c.1481G>A on transcript NM_019844.4 (MANE Select); coding-DNA position 1481, G replaced by A.
Protein change: p.Gly494Asp; replaces glycine 494 with aspartic acid.
Molecular consequence: missense variant.
Genome position (GRCh38, 1-based): chr12:20,881,004, G>A. VCF-style: chr12-20881004-G-A. GRCh37 (hg19) VCF-style: chr12-21033938-G-A.
Other names: c.1481G>A, p.Gly494Asp (NM_001371097.1); c.1397G>A, p.Gly466Asp (NM_001349920.2); short protein forms G466D, G494D.
Identifiers: ClinVar variation 4985715 (VCV004985715.1).

ClinVar aggregate classification (germline): Uncertain significance (1 of 4 stars; one submission).

Conditions:
SLCO1B3-related disorder. Also called: SLCO1B3-related condition.

gnomAD v4.1: 1 of 1,607,942 alleles (0.000062%); highest among the groups gnomAD compares: African/African-American, 0.0013%; no homozygotes.

Submission:

PreventionGenetics, part of Exact Sciences
Classification: Uncertain significance for SLCO1B3-related condition. Last evaluated: 2025-11-03. Review status: criteria provided, single submitter. Criteria: ACMG Guidelines, 2015. Collection method: clinical testing. Allele origin: germline.
Comment: The SLCO1B3 c.1481G>A variant is predicted to result in the amino acid substitution p.Gly494Asp. To our knowledge, this variant has not been reported in the literature or in a large population database (gnomAD), indicating this variant is rare. At this time, the clinical significance of this variant is uncertain due to the absence of conclusive functional and genetic evidence.